The following is an entry in ClinVar:

NM_182961.4(SYNE1):c.21781C>T (p.Arg7261Ter)

Gene: SYNE1 (spectrin repeat containing nuclear envelope protein 1; minus strand). Cytogenetic location: 6q25.2.
Variant type: single nucleotide variant.
Coding change: c.21781C>T on transcript NM_182961.4 (MANE Select); coding-DNA position 21781, C replaced by T.
Protein change: p.Arg7261Ter; replaces arginine 7261 with a stop codon.
Molecular consequence: nonsense.
Genome position (GRCh38, 1-based): chr6:152,220,922, G>A on the plus strand (C>T on the coding strand, the complement: SYNE1 is on the minus strand). VCF-style: chr6-152220922-G-A. GRCh37 (hg19) VCF-style: chr6-152542057-G-A.
Other names: c.21568C>T (NM_033071.3); c.21568C>T, p.Arg7190Ter (NM_033071.5); short protein forms R7190*, R7261*.
Identifiers: ClinVar variation 1068459 (VCV001068459.14), dbSNP rs138032057, ClinGen allele CA4054065.

ClinVar aggregate classification (germline): Pathogenic. Review status: criteria provided, multiple submitters, no conflicts (2 of 4 stars). 4 submissions from 4 submitters: Pathogenic (3). 1 of the submissions does not count toward it. Last evaluated 2024-03-28.

Conditions:
Emery-Dreifuss muscular dystrophy 4, autosomal dominant (EDMD4). Also called: EMERY-DREIFUSS MUSCULAR DYSTROPHY 4 WITH VARIABLE FEATURES. Identifiers: Orphanet 261, MedGen C2751807, MONDO:0013071, OMIM 612998.
Autosomal recessive ataxia, Beauce type. Also called: Spinocerebellar ataxia, autosomal recessive 8; ATAXIA, RECESSIVE, OF BEAUCE; SYNE1 Deficiency; SYNE1-Related Autosomal Recessive Cerebellar Ataxia. Identifiers: Orphanet 88644, MedGen C1853116, MONDO:0012549, OMIM 610743.

gnomAD v4.1: 10 of 1,613,990 alleles (0.00062%); highest among the groups gnomAD compares: South Asian, 0.0022%; no homozygotes.

Submissions (4):

Kariminejad - Najmabadi Pathology & Genetics Center
Classification: Pathogenic for Autosomal recessive ataxia, Beauce type. Last evaluated: 2024-03-28. Review status: criteria provided, single submitter. Criteria: ACMG Guidelines, 2015. Collection method: clinical testing. Allele origin: germline. Inheritance: Autosomal recessive inheritance. Affected: yes.
Comment: PVS1,PM2,PP5_Moderate

Revvity Omics, Revvity
Classification: Pathogenic. Last evaluated: 2023-12-06. Review status: criteria provided, single submitter. Criteria: ACMG Guidelines, 2015. Collection method: clinical testing. Allele origin: germline.

Labcorp Genetics (formerly Invitae), Labcorp
Classification: Pathogenic for Emery-Dreifuss muscular dystrophy 4, autosomal dominant; Autosomal recessive ataxia, Beauce type. Last evaluated: 2022-09-07. Review status: criteria provided, single submitter. Criteria: Invitae Variant Classification Sherloc (09022015). Collection method: clinical testing. Allele origin: germline.
Comment: This premature translational stop signal has been observed in individual(s) with clinical features of spinocerebellar ataxia (PMID: 30619065). This variant is present in population databases (rs138032057, gnomAD 0.003%). This sequence change creates a premature translational stop signal (p.Arg7190*) in the SYNE1 gene. It is expected to result in an absent or disrupted protein product. Loss-of-function variants in SYNE1 are known to be pathogenic (PMID: 19542096, 24319099, 27086870). ClinVar contains an entry for this variant (Variation ID: 1068459). For these reasons, this variant has been classified as Pathogenic.

Genomics England Pilot Project, Genomics England
Classification: Pathogenic for Autosomal recessive ataxia, Beauce type. Review status: no assertion criteria provided. Criteria: ACGS Guidelines, 2016. Collection method: clinical testing. Allele origin: germline. Affected: yes. Not counted in ClinVar's aggregate classification.

Literature cited by the submitters: PubMed 30619065 (cited by Labcorp Genetics (formerly Invitae), Labcorp); PubMed 19542096 (cited by Labcorp Genetics (formerly Invitae), Labcorp); PubMed 24319099 (cited by Labcorp Genetics (formerly Invitae), Labcorp); PubMed 27086870 (cited by Labcorp Genetics (formerly Invitae), Labcorp).